The following is an entry in ClinVar:

ClinVar aggregate classification (germline): Uncertain significance. Review status: criteria provided, multiple submitters, no conflicts (2 of 4 stars). 2 submissions from 2 submitters: Uncertain significance (2). Last evaluated 2025-09-24.

Submissions (2):

Labcorp Genetics (formerly Invitae), Labcorp
Classification: Uncertain significance. Last evaluated: 2025-09-24. Review status: criteria provided, single submitter. Criteria: Invitae Variant Classification Sherloc (09022015). Collection method: clinical testing. Allele origin: germline.
Comment: This variant, c.1645_1647del, results in the deletion of 1 amino acid(s) of the ANKRD26 protein (p.Glu549del), but otherwise preserves the integrity of the reading frame. This variant is present in population databases (rs775676751, gnomAD 0.02%). This variant has not been reported in the literature in individuals affected with ANKRD26-related conditions. ClinVar contains an entry for this variant (Variation ID: 2173969). Experimental studies and prediction algorithms are not available or were not evaluated, and the functional significance of this variant is currently unknown. In summary, the available evidence is currently insufficient to determine the role of this variant in disease. Therefore, it has been classified as a Variant of Uncertain Significance.

GeneDx
Classification: Uncertain significance. Last evaluated: 2022-10-21. Review status: criteria provided, single submitter. Criteria: GeneDx Variant Classification Process June 2021. Collection method: clinical testing. Allele origin: germline. Affected: yes.
Comment: In-frame deletion of 1 amino acid in a non-repeat region; In silico analysis supports that this variant does not alter protein structure/function; Has not been previously published as pathogenic or benign to our knowledge

NM_014915.3(ANKRD26):c.1639GAA[2] (p.Glu549del)

Gene: ANKRD26 (ankyrin repeat domain 26; minus strand). Cytogenetic location: 10p12.1.
Variant type: Microsatellite.
Coding change: c.1639GAA[2] on transcript NM_014915.3 (MANE Select); two copies in a row of the 3-base unit GAA starting at c.1639; the reference has three copies in a row; one copy, 3 bases deleted; also written c.1645_1647del.
Protein change: p.Glu549del; deletes glutamic acid 549.
Molecular consequence: inframe deletion. On other transcripts: inframe indel (1).
Genome position (GRCh38, 1-based): chr10:27,048,968-27,048,970, TTC deleted on the plus strand (GAA on the coding strand, the reverse complement: ANKRD26 is on the minus strand); deleting any 3 consecutive bases within chr10:27,048,968-27,048,976 gives the same sequence; the position shown is the placement nearest the transcript's 3' end. VCF-style (leftmost placement, unchanged base first): chr10-27048967-TTTC-T. GRCh37 (hg19) VCF-style: chr10-27337896-TTTC-T.
Other names: c.1645_1647del (NM_014915.2); c.1639GAA[2], p.Glu549del (NM_001256053.2); c.1639_1641GAA[2], p.Glu549del (NM_014915.2); short protein forms E549del.
Identifiers: ClinVar variation 2173969 (VCV002173969.5), dbSNP rs775676751, ClinGen allele CA5448434.